The following is an entry in ClinVar:

NM_001369268.1(ACAN):c.119G>A (p.Arg40Lys)

Gene: ACAN (aggrecan; plus strand). Cytogenetic location: 15q26.1.
Variant type: single nucleotide variant.
Coding change: c.119G>A on transcript NM_001369268.1 (MANE Select); coding-DNA position 119, G replaced by A.
Protein change: p.Arg40Lys; replaces arginine 40 with lysine.
Molecular consequence: missense variant.
Genome position (GRCh38, 1-based): chr15:88,838,711, G>A. VCF-style: chr15-88838711-G-A. GRCh37 (hg19) VCF-style: chr15-89381942-G-A.
Other names: c.119G>A, p.Arg40Lys (NM_001135.4, NM_001411096.1, NM_001411097.1 and 1 more transcripts); short protein forms R40K.
Identifiers: ClinVar variation 4780757 (VCV004780757.1).

ClinVar aggregate classification (germline): Uncertain significance (1 of 4 stars; one submission).

gnomAD v4.1: 2 of 1,608,832 alleles (0.00012%); highest among the groups gnomAD compares: Non-Finnish European, 0.00017%; no homozygotes.

Submission:

Labcorp Genetics (formerly Invitae), Labcorp
Classification: Uncertain significance. Last evaluated: 2025-09-23. Review status: criteria provided, single submitter. Criteria: Invitae Variant Classification Sherloc (09022015). Collection method: clinical testing. Allele origin: germline.
Comment: This sequence change replaces arginine, which is basic and polar, with lysine, which is basic and polar, at codon 40 of the ACAN protein (p.Arg40Lys). This variant is present in population databases (rs748319031, gnomAD 0.0009%). This variant has not been reported in the literature in individuals affected with ACAN-related conditions. Invitae Evidence Modeling of protein sequence and biophysical properties (such as structural, functional, and spatial information, amino acid conservation, physicochemical variation, residue mobility, and thermodynamic stability) indicates that this missense variant is not expected to disrupt ACAN protein function with a negative predictive value of 80%. In summary, the available evidence is currently insufficient to determine the role of this variant in disease. Therefore, it has been classified as a Variant of Uncertain Significance.